The following is an entry in ClinVar:

NM_021020.5(LZTS1):c.299C>G (p.Pro100Arg)

Gene: LZTS1 (leucine zipper tumor suppressor 1; minus strand). Cytogenetic location: 8p21.3.
Variant type: single nucleotide variant.
Coding change: c.299C>G on transcript NM_021020.5 (MANE Select); coding-DNA position 299, C replaced by G.
Protein change: p.Pro100Arg; replaces proline 100 with arginine.
Molecular consequence: missense variant.
Genome position (GRCh38, 1-based): chr8:20,254,883, G>C on the plus strand (C>G on the coding strand, the complement: LZTS1 is on the minus strand). VCF-style: chr8-20254883-G-C. GRCh37 (hg19) VCF-style: chr8-20112394-G-C.
Other names: c.299C>G, p.Pro100Arg (NM_001362884.2); short protein forms P100R.
Identifiers: ClinVar variation 1462435 (VCV001462435.6), dbSNP rs559961823, ClinGen allele CA370478568.

ClinVar aggregate classification (germline): Uncertain significance (1 of 4 stars; one submission).

gnomAD v4.1: 46 of 1,613,926 alleles (0.0029%); highest among the groups gnomAD compares: Non-Finnish European, 0.0038%; no homozygotes.

Submission:

Labcorp Genetics (formerly Invitae), Labcorp
Classification: Uncertain significance. Last evaluated: 2025-10-01. Review status: criteria provided, single submitter. Criteria: Invitae Variant Classification Sherloc (09022015). Collection method: clinical testing. Allele origin: germline.
Comment: This sequence change replaces proline, which is neutral and non-polar, with arginine, which is basic and polar, at codon 100 of the LZTS1 protein (p.Pro100Arg). This variant is present in population databases (no rsID available, gnomAD 0.003%). This variant has not been reported in the literature in individuals affected with LZTS1-related conditions. ClinVar contains an entry for this variant (Variation ID: 1462435). Invitae Evidence Modeling of protein sequence and biophysical properties (such as structural, functional, and spatial information, amino acid conservation, physicochemical variation, residue mobility, and thermodynamic stability) indicates that this missense variant is not expected to disrupt LZTS1 protein function with a negative predictive value of 80%. In summary, the available evidence is currently insufficient to determine the role of this variant in disease. Therefore, it has been classified as a Variant of Uncertain Significance.